The following is an entry in ClinVar:

ClinVar aggregate classification (germline): Pathogenic (1 of 4 stars; one submission).

Conditions:
Familial focal epilepsy with variable foci (FPEVF). Identifiers: Orphanet 98820, MedGen C1858477, MONDO:0020310.

Submission:

Labcorp Genetics (formerly Invitae), Labcorp
Classification: Pathogenic for Familial focal epilepsy with variable foci. Last evaluated: 2022-09-13. Review status: criteria provided, single submitter. Criteria: Invitae Variant Classification Sherloc (09022015). Collection method: clinical testing. Allele origin: germline.
Comment: For these reasons, this variant has been classified as Pathogenic. A similar copy number variant has been observed in individual(s) with clinical features of DEPDC5-related conditions (Invitae). This variant is a gross deletion of the genomic region encompassing exon(s) 13-14 of the DEPDC5 gene. This deletion is out-of-frame, and is expected to create a premature termination codon and result in an absent or disrupted protein product. Loss-of-function variants in DEPDC5 are known to be pathogenic (PMID: 23542697, 23542701).

Literature cited by the submitters: PubMed 23542697; PubMed 23542701.

NC_000022.10:g.(?_32193566)_(32194662_?)del

Gene: DEPDC5 (DEP domain containing 5, GATOR1 subcomplex subunit; plus strand). Cytogenetic location: 22q12.2.
Variant type: Deletion.
Identifiers: ClinVar variation 2423991 (VCV002423991.4).